The following is an entry in ClinVar:

NM_177438.3(DICER1):c.3180C>T (p.Arg1060=)

Gene: DICER1 (dicer 1, ribonuclease III; minus strand). Cytogenetic location: 14q32.13.
Variant type: single nucleotide variant.
Coding change: c.3180C>T on transcript NM_177438.3 (MANE Select); coding-DNA position 3180, C replaced by T.
Protein change: p.Arg1060=; no amino-acid change (arginine 1060 retained).
Molecular consequence: synonymous variant.
Genome position (GRCh38, 1-based): chr14:95,105,160, G>A on the plus strand (C>T on the coding strand, the complement: DICER1 is on the minus strand). VCF-style: chr14-95105160-G-A. GRCh37 (hg19) VCF-style: chr14-95571497-G-A.
Other names: c.3180C>T, p.Arg1060= (NM_001195573.1, NM_001271282.3, NM_001291628.2 and 1 more transcripts).
Identifiers: ClinVar variation 1576296 (VCV001576296.12), dbSNP rs1005672454, ClinGen allele CA265907072.
Genomic context (GRCh38, chr14:95,105,160, plus strand): 5'-CACGCCAGCATCGCTGGCAGTCTGGGCTCTTAGCTCCTCTGCAGTCAAAAGGCAGTGAAG[G>A]CGATAAAGTATGCTGGGGAGACAAACAGCTTTTCTCCACAGTGATGCTGGAATTGGATGT-3'
Protein context (NP_803187.1, residues 1050-1070): KAVCLPSILY[Arg1060=]LHCLLTAEEL

ClinVar aggregate classification (germline): Benign/Likely benign. Review status: criteria provided, multiple submitters, no conflicts (2 of 4 stars). 3 submissions from 3 submitters: Benign (1); Likely benign (2). Last evaluated 2026-04-17.

Conditions:
DICER1-related tumor predisposition. Also called: DICER1-related pleuropulmonary blastoma cancer predisposition syndrome; DICER1 syndrome. Identifiers: Orphanet 284343, MedGen C3839822, MONDO:0100216.
Hereditary cancer-predisposing syndrome. Also called: Neoplastic Syndromes, Hereditary; Tumor predisposition; Hereditary Cancer Syndrome; Hereditary neoplastic syndrome. Identifiers: Orphanet 140162, MedGen C0027672, MeSH D009386, MONDO:0015356.

Submissions (3):

Myriad Genetics, Inc.
Classification: Benign for DICER1-related tumor predisposition. Last evaluated: 2026-04-17. Review status: criteria provided, single submitter. Criteria: Myriad Autosomal Dominant, Autosomal Recessive and X-Linked Classification Criteria (2023). Collection method: clinical testing. Allele origin: unknown.
Comment: This variant is considered benign. This variant is a silent/synonymous amino acid change and it is not expected to impact splicing.

Labcorp Genetics (formerly Invitae), Labcorp
Classification: Likely benign for DICER1-related tumor predisposition. Last evaluated: 2025-10-14. Review status: criteria provided, single submitter. Criteria: Invitae Variant Classification Sherloc (09022015). Collection method: clinical testing. Allele origin: germline.

Ambry Genetics
Classification: Likely benign for Hereditary cancer-predisposing syndrome. Last evaluated: 2021-03-31. Review status: criteria provided, single submitter. Criteria: Ambry Variant Classification Scheme 2023. Collection method: clinical testing. Allele origin: germline.